The following is an entry in ClinVar:

ClinVar aggregate classification (germline): Pathogenic (1 of 4 stars; one submission).

Conditions:
Junctional epidermolysis bullosa. Identifiers: Orphanet 305, MedGen C0079301, MONDO:0017612.

gnomAD v4.1: 1 of 1,614,026 alleles (0.000062%); highest among the groups gnomAD compares: Non-Finnish European, 0.000085%; no homozygotes.

Submission:

Myriad Genetics, Inc.
Classification: Pathogenic for Junctional epidermolysis bullosa. Last evaluated: 2023-09-10. Review status: criteria provided, single submitter. Criteria: Myriad Autosomal Dominant, Autosomal Recessive and X-Linked Classification Criteria (2023). Collection method: clinical testing. Allele origin: unknown.
Comment: NM_000228.2(LAMB3):c.1066G>T(E356*) is expected to be pathogenic in the context of junctional epidermolysis bullosa, LAMB3-related. This variant is predicted to lead to an abnormal or absent protein product due to the creation of a premature termination codon in LAMB3, a gene where loss-of-function variants are known to be pathogenic. Please note: this variant was assessed in the context of healthy population screening.

NM_000228.3(LAMB3):c.1066G>T (p.Glu356Ter)

Gene: LAMB3 (laminin subunit beta 3; minus strand). Cytogenetic location: 1q32.2.
Variant type: single nucleotide variant.
Coding change: c.1066G>T on transcript NM_000228.3 (MANE Select); coding-DNA position 1066, G replaced by T.
Protein change: p.Glu356Ter; replaces glutamic acid 356 with a stop codon.
Molecular consequence: nonsense.
Genome position (GRCh38, 1-based): chr1:209,629,803, C>A on the plus strand (G>T on the coding strand, the complement: LAMB3 is on the minus strand). VCF-style: chr1-209629803-C-A. GRCh37 (hg19) VCF-style: chr1-209803148-C-A.
Other names: c.1066G>T, p.Glu356Ter (NM_001017402.2, NM_001127641.1); short protein forms E356*.
Identifiers: ClinVar variation 5011630 (VCV005011630.1).